The following is an entry in ClinVar:

NM_002519.3(NPAT):c.3575A>C (p.Asn1192Thr)

Gene: NPAT (nuclear protein, coactivator of histone transcription; minus strand). Cytogenetic location: 11q22.3.
Variant type: single nucleotide variant.
Coding change: c.3575A>C on transcript NM_002519.3 (MANE Select); coding-DNA position 3575, A replaced by C.
Protein change: p.Asn1192Thr; replaces asparagine 1192 with threonine.
Molecular consequence: missense variant.
Genome position (GRCh38, 1-based): chr11:108,161,511, T>G on the plus strand (A>C on the coding strand, the complement: NPAT is on the minus strand). VCF-style: chr11-108161511-T-G. GRCh37 (hg19) VCF-style: chr11-108032238-T-G.
Other names: c.3596A>C, p.Asn1199Thr (NM_001321307.1); short protein forms N1192T, N1199T.
Identifiers: ClinVar variation 3407276 (VCV003407276.1).
Genomic context (GRCh38, chr11:108,161,511, plus strand): 5'-CCTTGTTTTTTGGTCATTTCTTGCAGTGAAGCTATAGATTTCTCACTTCGCAAACCCCCA[T>G]TTTGCTGCCCAATAGATAGTTTTGAATTTTCTGGATTTTTCTGTCTTTCTACATCGCTGC-3'
Protein context (NP_002510.2, residues 1182-1202): ENSKLSIGQQ[Asn1192Thr]GGLRSEKSIA

ClinVar aggregate classification (germline): Uncertain significance (1 of 4 stars; one submission).

Submission:

Ambry Genetics
Classification: Uncertain significance. Last evaluated: 2024-11-17. Review status: criteria provided, single submitter. Criteria: Ambry Variant Classification Scheme 2023. Collection method: clinical testing. Allele origin: germline.
Comment: The p.N1192T variant (also known as c.3575A>C), located in coding exon 17 of the NPAT gene, results from an A to C substitution at nucleotide position 3575. The asparagine at codon 1192 is replaced by threonine, an amino acid with similar properties. This amino acid position is conserved. In addition, this alteration is predicted to be tolerated by in silico analysis. Based on the available evidence, the clinical significance of this variant remains unclear.